The following is an entry in ClinVar:

NM_001290223.2(DOCK1):c.2550C>T (p.Pro850=)

Gene: DOCK1 (dedicator of cytokinesis 1; plus strand). Cytogenetic location: 10q26.2.
Variant type: single nucleotide variant.
Coding change: c.2550C>T on transcript NM_001290223.2 (MANE Select); coding-DNA position 2550, C replaced by T.
Protein change: p.Pro850=; no amino-acid change (proline 850 retained).
Molecular consequence: synonymous variant.
Genome position (GRCh38, 1-based): chr10:127,110,281, C>T. VCF-style: chr10-127110281-C-T. GRCh37 (hg19) VCF-style: chr10-128908545-C-T.
Other names: c.2487C>T, p.Pro829= (NM_001377543.1, NM_001377553.1, NM_001377556.1 and 1 more transcripts); c.2523C>T, p.Pro841= (NM_001377544.1); c.2550C>T, p.Pro850= (NM_001377546.1, NM_001377561.1); c.2424C>T, p.Pro808= (NM_001377547.1); c.2403C>T, p.Pro801= (NM_001377548.1); c.2388C>T, p.Pro796= (NM_001377550.1); c.2334C>T, p.Pro778= (NM_001377554.1); c.2280C>T, p.Pro760= (NM_001377558.1); and 1 more.
Identifiers: ClinVar variation 2640960 (VCV002640960.24), dbSNP rs566942788, ClinGen allele CA5742684.
Genomic context (GRCh38, chr10:127,110,281, plus strand): 5'-TTATTTCCCTTGTGTTTTTCCTCACAGCAAAATGTTTACTGAATTCATCCTCAATGTTCC[C>T]ATGGGCTTGCTGACCATCCAGAAACTCTACTGCTTGATCGAAATCGTCCACAGTGACCTC-3'
Protein context (NP_001277152.2, residues 840-860): KMFTEFILNV[Pro850=]MGLLTIQKLY

ClinVar aggregate classification (germline): Likely benign (1 of 4 stars; one submission).

Allele frequency attached by ClinVar (database versions not stated): TOPMed 0.00003; gnomAD 0.00018; gnomAD exomes 0.00037; 1000 Genomes Project 30x 0.00094; 1000 Genomes Project 0.00100; ExAC 0.00105.
gnomAD v4.1: 586 of 1,613,624 alleles (0.036%); highest among the groups gnomAD compares: South Asian, 0.59%; 7 homozygotes.

Submission:

CeGaT Center for Human Genetics Tuebingen
Classification: Likely benign. Last evaluated: 2023-01-01. Review status: criteria provided, single submitter. Criteria: CeGaT Center For Human Genetics Tuebingen Variant Classification Criteria Version 2. Collection method: clinical testing. Allele origin: germline. Affected: yes. Observed: 1 variant allele.
Comment: DOCK1: BP4, BP7, BS2